The following is an entry in ClinVar:

ClinVar aggregate classification (germline): Uncertain significance (1 of 4 stars; one submission).

gnomAD v4.1: 1 of 1,611,958 alleles (0.000062%); no homozygotes.

Submission:

GeneDx
Classification: Uncertain significance. Last evaluated: 2024-06-03. Review status: criteria provided, single submitter. Criteria: GeneDx Variant Classification Process June 2021. Collection method: clinical testing. Allele origin: germline. Affected: yes.
Comment: Not observed at significant frequency in large population cohorts (gnomAD); In silico analysis supports that this missense variant has a deleterious effect on protein structure/function; In silico analysis supports a deleterious effect on splicing; Has not been previously published as pathogenic or benign to our knowledge

NM_021096.4(CACNA1I):c.5581G>T (p.Asp1861Tyr)

Gene: CACNA1I (calcium voltage-gated channel subunit alpha1 I; plus strand). Cytogenetic location: 22q13.1.
Variant type: single nucleotide variant.
Coding change: c.5581G>T on transcript NM_021096.4 (MANE Select); coding-DNA position 5581, G replaced by T.
Protein change: p.Asp1861Tyr; replaces aspartic acid 1861 with tyrosine.
Molecular consequence: missense variant.
Genome position (GRCh38, 1-based): chr22:39,680,969, G>T. VCF-style: chr22-39680969-G-T. GRCh37 (hg19) VCF-style: chr22-40076974-G-T.
Other names: c.5476G>T, p.Asp1826Tyr (NM_001003406.2); short protein forms D1826Y, D1861Y.
Identifiers: ClinVar variation 3384453 (VCV003384453.1).